The following continues an entry in ClinVar:

NM_000169.3(GLA):c.1196G>C (p.Trp399Ser)

ClinVar aggregate classification (germline): Uncertain significance. Uncertain significance (13).

Submissions 11 to 18 of 18:

Broad Center for Mendelian Genomics, Broad Institute of MIT and Harvard
Classification: Uncertain significance for Fabry disease. Last evaluated: 2020-01-22. Review status: criteria provided, single submitter. Criteria: ACMG Guidelines, 2015. Collection method: curation. Allele origin: germline. Inheritance: X-linked inheritance.
Comment: The p.Trp399Ser variant in GLA has been reported in at least 3 individuals with Fabry disease (PMID: 26415523,28253518, 29794742), and has been identified in 0.08% (15/19080) of South Asian chromosomes, including 7 hemizygotes, by the Genome Aggregation Database (gnomAD; dbSNP rs782449839). This variant has also been reported in ClinVar as likely pathogenic by Albrecht-Kossel-Institute (Medical University Rostock) and a VUS by Invitae (ID: 217414). In vitro functional studies provide some evidence that the p.Trp399Se variant may not impact protein function (PMID: 26415523). However, these types of assays may not accurately represent biological function. Computational prediction tools and conservation analyses do not provide strong support for or against an impact to the protein. The phenotype of individuals hemizygous for this variant is highly specific for Fabry disease based on the classical phenotype which is consistent with disease (PMID: 26415523, 28253518, 28728877). In summary, the clinical significance of this variant is uncertain. ACMG/AMP Criteria applied: BS1, PP4, PS4_supporting, BS3_supporting (Richards 2015).

X-linked inheritance (primarily recessive with milder female expression)

Gharavi Laboratory, Columbia University
Classification: Uncertain significance. Last evaluated: 2018-09-16. Review status: criteria provided, single submitter. Criteria: ACMG Guidelines, 2015. Collection method: research. Allele origin: germline. Affected: no.

Stanford Center for Inherited Cardiovascular Disease, Stanford University
Classification: Uncertain significance. Last evaluated: 2017-11-01. Review status: criteria provided, single submitter. Criteria: ACMG Guidelines, 2015. Collection method: provider interpretation. Allele origin: germline.

Natera, Inc.
Classification: Uncertain significance for Fabry disease. Last evaluated: 2020-10-23. Review status: no assertion criteria provided. Collection method: clinical testing. Allele origin: germline. Not counted in ClinVar's aggregate classification.

Albrecht-Kossel-Institute, Medical University Rostock
Classification: drug response for deoxygalactonojirimycin response. Last evaluated: 2014-01-01. Review status: no assertion criteria provided. Collection method: research. Allele origin: inherited. Not counted in ClinVar's aggregate classification.

Genome Diagnostics Laboratory, University Medical Center Utrecht
Classification: Uncertain significance. Review status: no assertion criteria provided. Collection method: clinical testing. Allele origin: germline. Affected: yes. Study: VKGL Data-share Consensus. Not counted in ClinVar's aggregate classification.

Laboratory of Diagnostic Genome Analysis, Leiden University Medical Center (LUMC)
Classification: Uncertain significance. Review status: no assertion criteria provided. Collection method: clinical testing. Allele origin: germline. Affected: yes. Study: VKGL Data-share Consensus. Not counted in ClinVar's aggregate classification.

Albrecht-Kossel-Institute, Medical University Rostock
Classification: Likely pathogenic for Fabry's disease. Last evaluated: 2014-01-01. Review status: flagged submission. Collection method: research. Allele origin: inherited. Not counted in ClinVar's aggregate classification.
ClinVar note: Reason: Older and outlier claim with insufficient supporting evidence

Literature cited by the submitters: PubMed 28253518 (cited by 5 submitters); PubMed 26415523 (cited by 6 submitters); PubMed 30093709 (cited by Genomenon, Inc); PubMed 29794742 (cited by 3 submitters); PubMed 33495303 (cited by Labcorp Genetics (formerly Invitae), Labcorp and Women's Health and Genetics/Laboratory Corporation of America, LabCorp); PubMed 27916943 (cited by Women's Health and Genetics/Laboratory Corporation of America, LabCorp); PubMed 28728877 (cited by Women's Health and Genetics/Laboratory Corporation of America, LabCorp).